The following is an entry in ClinVar:

NM_001457.4(FLNB):c.2215G>A (p.Gly739Ser)

Gene: FLNB (filamin B; plus strand). Cytogenetic location: 3p14.3.
Variant type: single nucleotide variant.
Coding change: c.2215G>A on transcript NM_001457.4 (MANE Select); coding-DNA position 2215, G replaced by A.
Protein change: p.Gly739Ser; replaces glycine 739 with serine.
Molecular consequence: missense variant.
Genome position (GRCh38, 1-based): chr3:58,109,591, G>A. VCF-style: chr3-58109591-G-A. GRCh37 (hg19) VCF-style: chr3-58095318-G-A.
Other names: c.2215G>A, p.Gly739Ser (NM_001164317.2, NM_001164318.2, NM_001164319.2); short protein forms G739S.
Identifiers: ClinVar variation 2788299 (VCV002788299.3), dbSNP rs2471085190, ClinGen allele CA353343299.

ClinVar aggregate classification (germline): Uncertain significance (1 of 4 stars; one submission).

Submission:

Labcorp Genetics (formerly Invitae), Labcorp
Classification: Uncertain significance. Last evaluated: 2025-04-28. Review status: criteria provided, single submitter. Criteria: Invitae Variant Classification Sherloc (09022015). Collection method: clinical testing. Allele origin: germline.
Comment: This sequence change replaces glycine, which is neutral and non-polar, with serine, which is neutral and polar, at codon 739 of the FLNB protein (p.Gly739Ser). This variant is not present in population databases (gnomAD no frequency). This variant has not been reported in the literature in individuals affected with FLNB-related conditions. ClinVar contains an entry for this variant (Variation ID: 2788299). Invitae Evidence Modeling of protein sequence and biophysical properties (such as structural, functional, and spatial information, amino acid conservation, physicochemical variation, residue mobility, and thermodynamic stability) indicates that this missense variant is not expected to disrupt FLNB protein function with a negative predictive value of 95%. In summary, the available evidence is currently insufficient to determine the role of this variant in disease. Therefore, it has been classified as a Variant of Uncertain Significance.